The following is an entry in ClinVar:

ClinVar aggregate classification (germline): Pathogenic (1 of 4 stars; one submission).

Conditions:
Lynch syndrome 5 (LYNCH5). Also called: Colorectal cancer, hereditary nonpolyposis, type 5; Hereditary non-polyposis colorectal cancer, type 5. Identifiers: Orphanet 144, MedGen C1833477, MONDO:0013710, OMIM 614350. Disease mechanism: loss of function.

Submission:

Myriad Genetics, Inc.
Classification: Pathogenic for Lynch syndrome 5. Last evaluated: 2022-12-29. Review status: criteria provided, single submitter. Criteria: Myriad Autosomal Dominant, Autosomal Recessive and X-Linked Classification Criteria (2023). Collection method: clinical testing. Allele origin: unknown.
Comment: This variant is considered pathogenic. This variant creates a frameshift predicted to result in premature protein truncation.

NM_000179.3(MSH6):c.3743_3744del (p.His1248fs)

Gene: MSH6 (mutS homolog 6; plus strand). Cytogenetic location: 2p16.3.
Variant type: Deletion.
Coding change: c.3743_3744del on transcript NM_000179.3 (MANE Select); coding-DNA positions 3743 to 3744, 2 bases deleted (AC; older notation c.3743_3744delAC).
Protein change: p.His1248fs; shifts the reading frame from histidine 1248.
Molecular consequence: frameshift variant.
Genome position (GRCh38, 1-based): chr2:47,806,300-47,806,301, AC deleted; deleting any 2 consecutive bases within chr2:47,806,299-47,806,301 gives the same sequence; the c. name uses the placement nearest the transcript's 3' end. VCF-style (leftmost placement, unchanged base first): chr2-47806298-TCA-T. GRCh37 (hg19) VCF-style: chr2-48033437-TCA-T.
Other names: c.3353_3354del, p.His1118fs (NM_001281492.2); c.2837_2838del, p.His946fs (NM_001281493.2, NM_001281494.2); c.3839_3840delAC, p.His1280Leufs (NM_001406795.1, NM_001406802.1); c.3743_3744delAC, p.His1248Leufs (NM_001406796.1, NM_001406800.1, NM_001406808.1 and 1 more transcripts); c.3446_3447delAC, p.His1149Leufs (NM_001406797.1, NM_001406801.1, NM_001406805.1 and 10 more transcripts); c.3569_3570delAC, p.His1190Leufs (NM_001406798.1); c.3218_3219delAC, p.His1073Leufs (NM_001406799.1, NM_001406806.1, NM_001406807.1); c.2879_2880delAC, p.His960Leufs (NM_001406803.1); and 8 more; short protein forms H1118fs, H1248fs, H946fs.
Identifiers: ClinVar variation 2431291 (VCV002431291.1), dbSNP rs2530844890, ClinGen allele CA2580067312.